The following is an entry in ClinVar:

GRCh38/hg38 1p36.13(chr1:17722922-18332415)x3

Genes: ACTL8 (actin like 8; plus strand), IGSF21 (immunoglobin superfamily member 21; plus strand), IGSF21-AS1 (IGSF21 antisense RNA 1; minus strand), LINC01654 (long intergenic non-protein coding RNA 1654; plus strand), LOC120893115 (Sharpr-MPRA regulatory region 487; plus strand) and 4 more. Cytogenetic location: 1p36.13.
Variant type: copy number gain.
Change: copy number 3 (three copies instead of two) of chr1:17,722,922-18,332,415 (609.5 kb, GRCh38 coordinates, 1-based), cytogenetic band 1p36.13.
Identifiers: ClinVar variation 150155 (VCV000150155.2).

ClinVar aggregate classification (germline): conflicting data from submitters (0 of 4 stars; one submission).

Submission:

ISCA site 1
Classification: conflicting data from submitters. Last evaluated: 2013-01-14. Review status: no assertion criteria provided. Collection method: clinical testing. Allele origin: unknown, maternal. Affected: yes. Observed: 4 variant alleles. Clinical features observed: Developmental delay AND/OR other significant developmental or morphological phenotypes, Microcephaly (HP:0000252), Delayed speech and language development (HP:0000750), Spasticity (HP:0001257), Abnormal facial shape (HP:0001999), Delayed gross motor development (HP:0002194), Short stature (HP:0004322), Cerebral palsy (HP:0100021), Global developmental delay (HP:0001263), Microphthalmia (HP:0000568).
Comment: Uncertain significance(3), Likely benign (1)

Copy number variation identified through the course of routine clinical cytogenomic testing in postnatal populations, with clinical assertions as classified by the original submitter. For data from the original published study, Kaminsky, et al. 2011 (PubMed 21844811), please see nstd101.